The following is an entry in ClinVar:

ClinVar aggregate classification (germline): Pathogenic/Likely pathogenic. Review status: no assertion criteria provided (0 of 4 stars). 2 submissions from 2 submitters: Pathogenic (1); Likely pathogenic (1). Last evaluated 2018-09-10.

Conditions:
Hearing loss, autosomal recessive. Also called: Rare autosomal recessive non-syndromic sensorineural deafness type DFNB; Autosomal recessive nonsyndromic deafness; Nonsyndromic Hearing Loss, Recessive; Deafness, autosomal recessive. Identifiers: Orphanet 90635, Orphanet 90636, MedGen C1846647, MONDO:0019588, OMIM 607197.
Deafness. Identifiers: MedGen C0011053.

Submissions (2):

Center for Statistical Genetics, Columbia University
Classification: Pathogenic for Deafness. Last evaluated: 2018-09-10. Review status: no assertion criteria provided. Collection method: research. Allele origin: inherited. Affected: yes.
Comment: Autosomal recessive

University of Washington Center for Mendelian Genomics, University of Washington
Classification: Likely pathogenic for non-syndromic autosomal recessive hearing loss. Review status: no assertion criteria provided. Collection method: research. Allele origin: inherited. Affected: yes.

Literature cited by the submitters: PubMed 30303587 (cited by University of Washington Center for Mendelian Genomics, University of Washington).

NM_194248.3(OTOF):c.3376dup (p.Ile1126fs)

Gene: OTOF (otoferlin; minus strand). Cytogenetic location: 2p23.3.
Variant type: Duplication.
Coding change: c.3376dup on transcript NM_194248.3 (MANE Select); coding-DNA position 3376, one base duplicated (A; older notation c.3376dupA).
Protein change: p.Ile1126fs; shifts the reading frame from isoleucine 1126.
Molecular consequence: frameshift variant.
Genome position (GRCh38, 1-based): chr2:26,474,023, T duplicated on the plus strand (A on the coding strand, the reverse complement: OTOF is on the minus strand). VCF-style (leftmost placement, unchanged base first): chr2-26474022-A-AT. GRCh37 (hg19) VCF-style: chr2-26696890-A-AT.
Other names: c.3376dup, p.Ile1126fs (NM_001287489.2); c.1135dup, p.Ile379fs (NM_004802.4, NM_194323.3); c.1306dup, p.Ile436fs (NM_194322.3); c.3376dupA (NM_194248.2); short protein forms I436fs, I379fs, I1126fs.
Identifiers: ClinVar variation 560900 (VCV000560900.2), dbSNP rs1558480402, ClinGen allele CA658822820.